The following is an entry in ClinVar:

ClinVar aggregate classification (germline): Uncertain significance. Review status: criteria provided, multiple submitters, no conflicts (2 of 4 stars). 2 submissions from 2 submitters: Uncertain significance (2). Last evaluated 2026-01-26.

Conditions:
Acute myeloid leukemia (AML). Also called: Acute myeloid leukemia, adult; AML adult; Acute non-lymphocytic leukemia; Acute granulocytic leukemia; Leukemia, acute myeloid, somatic; Leukemia, acute myelogenous, somatic. Identifiers: Orphanet 519, MedGen C0023467, MeSH D015470, MONDO:0018874, OMIM 601626, HP:0004808. Disease mechanism: Constitutively activated FLT3.
Inborn genetic diseases. Identifiers: MedGen C0950123, MeSH D030342.

gnomAD v4.1: 1 of 1,273,668 alleles (0.000079%); highest among the groups gnomAD compares: Non-Finnish European, 0.0001%; no homozygotes.

Submissions (2):

Ambry Genetics
Classification: Uncertain significance for Inborn genetic diseases. Last evaluated: 2026-01-26. Review status: criteria provided, single submitter. Criteria: Ambry Variant Classification Scheme 2023. Collection method: clinical testing. Allele origin: germline.
Comment: The p.Q182R variant (also known as c.545A>G), located in coding exon 1 of the CEBPA gene, results from an A to G substitution at nucleotide position 545. The glutamine at codon 182 is replaced by arginine, an amino acid with highly similar properties. This amino acid position is conserved. In addition, this alteration is predicted to be tolerated by in silico analysis. Based on the available evidence, the clinical significance of this variant remains unclear.

Labcorp Genetics (formerly Invitae), Labcorp
Classification: Uncertain significance for Acute myeloid leukemia. Last evaluated: 2023-08-11. Review status: criteria provided, single submitter. Criteria: Invitae Variant Classification Sherloc (09022015). Collection method: clinical testing. Allele origin: germline.
Comment: ClinVar contains an entry for this variant (Variation ID: 1907627). Advanced modeling of protein sequence and biophysical properties (such as structural, functional, and spatial information, amino acid conservation, physicochemical variation, residue mobility, and thermodynamic stability) performed at Invitae indicates that this missense variant is not expected to disrupt CEBPA protein function. In summary, the available evidence is currently insufficient to determine the role of this variant in disease. Therefore, it has been classified as a Variant of Uncertain Significance. This variant has not been reported in the literature in individuals affected with CEBPA-related conditions. This sequence change replaces glutamine, which is neutral and polar, with arginine, which is basic and polar, at codon 182 of the CEBPA protein (p.Gln182Arg). This variant is not present in population databases (gnomAD no frequency).

NM_004364.5(CEBPA):c.545A>G (p.Gln182Arg)

Gene: CEBPA (CCAAT enhancer binding protein alpha; minus strand). Cytogenetic location: 19q13.11.
Variant type: single nucleotide variant.
Coding change: c.545A>G on transcript NM_004364.5 (MANE Select); coding-DNA position 545, A replaced by G.
Protein change: p.Gln182Arg; replaces glutamine 182 with arginine.
Molecular consequence: missense variant.
Genome position (GRCh38, 1-based): chr19:33,301,870, T>C on the plus strand (A>G on the coding strand, the complement: CEBPA is on the minus strand). VCF-style: chr19-33301870-T-C. GRCh37 (hg19) VCF-style: chr19-33792776-T-C.
Other names: c.188A>G, p.Gln63Arg (NM_001285829.2); c.650A>G, p.Gln217Arg (NM_001287424.2); c.503A>G, p.Gln168Arg (NM_001287435.2); short protein forms Q63R, Q168R, Q217R, Q182R.
Identifiers: ClinVar variation 1907627 (VCV001907627.6), dbSNP rs1555742145, ClinGen allele CA405274722.
Genomic context (GRCh38, chr19:33,301,870, plus strand): 5'-GCCAGGTGCGCGGGCGGCGGGTGCGGGTGCGGGTGCGAGGGCGGCGGCGGCGGCGGCGGC[T>C]GGTAAGGGAAGAGGCCGGCCAGCGCCAGCTGCTTGGCTTCATCCTCCTCGCGGGGCTCCT-3'
Protein context (NP_004355.2, residues 172-192): QLALAGLFPY[Gln182Arg]PPPPPPPSHP